The following is an entry in ClinVar:

ClinVar aggregate classification (germline): Uncertain significance. Review status: criteria provided, multiple submitters, no conflicts (2 of 4 stars). 3 submissions from 3 submitters: Uncertain significance (3). Last evaluated 2025-11-05.

Conditions:
Osteofibrous dysplasia (OSFD). Also called: Tibia, bowing of, with pseudarthrosis and pectus excavatum. Identifiers: Orphanet 488265, MedGen C4085248, MONDO:0011806, OMIM 607278.
Papillary renal cell carcinoma type 1 (RCCP1). Also called: Renal adenocarcinoma; Renal cell carcinoma 1; Renal cell carcinoma, somatic; RENAL CELL CARCINOMA, PAPILLARY, 1, SOMATIC. Identifiers: Orphanet 47044, MedGen C1336839, OMIM 605074, HP:0011797.
Hepatocellular carcinoma (HCC). Also called: HEPATOMA; LIVER CELL CARCINOMA; Primary carcinoma of liver. Identifiers: Orphanet 88673, MedGen C2239176, MONDO:0007256, OMIM 114550, HP:0001402.
Autosomal recessive nonsyndromic hearing loss 97. Also called: Deafness, autosomal recessive 97. Identifiers: Orphanet 90636, MedGen C4084709, MONDO:0014739, OMIM 616705.
Arthrogryposis, distal, IIa 11. Also called: Arthrogryposis, distal, type 11. Identifiers: MedGen C5774205, MONDO:0031045, OMIM 620019.
Renal cell carcinoma. Identifiers: Orphanet 217071, MedGen C0007134, MeSH D002292, MONDO:0005086, HP:0005584.
Hereditary cancer-predisposing syndrome. Also called: Neoplastic Syndromes, Hereditary; Tumor predisposition; Hereditary Cancer Syndrome; Hereditary neoplastic syndrome. Identifiers: Orphanet 140162, MedGen C0027672, MeSH D009386, MONDO:0015356.

gnomAD v4.1: 2 of 1,614,084 alleles (0.00012%); highest among the groups gnomAD compares: East Asian, 0.0022%; no homozygotes.

Submissions (3):

Labcorp Genetics (formerly Invitae), Labcorp
Classification: Uncertain significance for Renal cell carcinoma. Last evaluated: 2025-11-05. Review status: criteria provided, single submitter. Criteria: Invitae Variant Classification Sherloc (09022015). Collection method: clinical testing. Allele origin: germline.
Comment: This sequence change replaces threonine, which is neutral and polar, with isoleucine, which is neutral and non-polar, at codon 273 of the MET protein (p.Thr273Ile). This variant is present in population databases (no rsID available, gnomAD 0.006%). This variant has not been reported in the literature in individuals affected with MET-related conditions. ClinVar contains an entry for this variant (Variation ID: 1762344). Invitae Evidence Modeling of protein sequence and biophysical properties (such as structural, functional, and spatial information, amino acid conservation, physicochemical variation, residue mobility, and thermodynamic stability) indicates that this missense variant is not expected to disrupt MET protein function with a negative predictive value of 80%. In summary, the available evidence is currently insufficient to determine the role of this variant in disease. Therefore, it has been classified as a Variant of Uncertain Significance.

Ambry Genetics
Classification: Uncertain significance for Hereditary cancer-predisposing syndrome. Last evaluated: 2024-01-04. Review status: criteria provided, single submitter. Criteria: Ambry Variant Classification Scheme 2023. Collection method: clinical testing. Allele origin: germline.
Comment: The p.T273I variant (also known as c.818C>T), located in coding exon 1 of the MET gene, results from a C to T substitution at nucleotide position 818. The threonine at codon 273 is replaced by isoleucine, an amino acid with similar properties. This amino acid position is not well conserved in available vertebrate species. In addition, this alteration is predicted to be tolerated by in silico analysis. Since supporting evidence is limited at this time, the clinical significance of this alteration remains unclear.

Fulgent Genetics
Classification: Uncertain significance for Hepatocellular carcinoma; Papillary renal cell carcinoma type 1; Osteofibrous dysplasia; Autosomal recessive nonsyndromic hearing loss 97; Arthrogryposis, distal, IIa 11. Last evaluated: 2024-01-03. Review status: criteria provided, single submitter. Criteria: ACMG Guidelines, 2015. Collection method: clinical testing. Allele origin: germline.

NM_000245.4(MET):c.818C>T (p.Thr273Ile)

Gene: MET (MET proto-oncogene, receptor tyrosine kinase; plus strand). Cytogenetic location: 7q31.2.
Variant type: single nucleotide variant.
Coding change: c.818C>T on transcript NM_000245.4 (MANE Select); coding-DNA position 818, C replaced by T.
Protein change: p.Thr273Ile; replaces threonine 273 with isoleucine.
Molecular consequence: missense variant. On other transcripts: intron variant (1).
Genome position (GRCh38, 1-based): chr7:116,699,902, C>T. VCF-style: chr7-116699902-C-T. GRCh37 (hg19) VCF-style: chr7-116339956-C-T.
Other names: c.818C>T, p.Thr273Ile (NM_001127500.3, NM_001324401.3); c.-91+27325C>T (NM_001324402.2); short protein forms T273I.
Identifiers: ClinVar variation 1762344 (VCV001762344.8), dbSNP rs368144654, ClinGen allele CA164889071.
Genomic context (GRCh38, chr7:116,699,902, plus strand): 5'-TTGAAAGCAACAATTTTATTTACTTCTTGACGGTCCAAAGGGAAACTCTAGATGCTCAGA[C>T]TTTTCACACAAGAATAATCAGGTTCTGTTCCATAAACTCTGGATTGCATTCCTACATGGA-3'
Protein context (NP_000236.2, residues 263-283): TVQRETLDAQ[Thr273Ile]FHTRIIRFCS